The following is an entry in ClinVar:

NM_022124.6(CDH23):c.8887G>A (p.Glu2963Lys)

Gene: CDH23 (cadherin related 23; plus strand). Cytogenetic location: 10q22.1.
Variant type: single nucleotide variant.
Coding change: c.8887G>A on transcript NM_022124.6 (MANE Select); coding-DNA position 8887, G replaced by A.
Protein change: p.Glu2963Lys; replaces glutamic acid 2963 with lysine.
Molecular consequence: missense variant.
Genome position (GRCh38, 1-based): chr10:71,809,984, G>A. VCF-style: chr10-71809984-G-A. GRCh37 (hg19) VCF-style: chr10-73569741-G-A.
Other names: c.8887G>A (NM_022124.5); c.2167G>A, p.Glu723Lys (NM_001171933.1, NM_001171934.1); short protein forms E723K, E2963K.
Identifiers: ClinVar variation 2197290 (VCV002197290.6), dbSNP rs774357708, ClinGen allele CA5546780.

ClinVar aggregate classification (germline): Uncertain significance. Review status: criteria provided, multiple submitters, no conflicts (2 of 4 stars). 6 submissions from 6 submitters: Uncertain significance (6). Last evaluated 2026-06-02.

Conditions:
CDH23-related disorder. Also called: CDH23-related disorders; CDH23-related condition.
Inborn genetic diseases. Identifiers: MedGen C0950123, MeSH D030342.
Usher syndrome type 1D (USH1D). Also called: USHER SYNDROME, TYPE ID. Identifiers: Orphanet 231169, Orphanet 886, MedGen C1832845, MONDO:0010984, OMIM 601067.

Allele frequency attached by ClinVar (database versions not stated): gnomAD 0.00002; ExAC 0.00004; TOPMed 0.00009.
gnomAD v4.1: 23 of 1,612,010 alleles (0.0014%); highest among the groups gnomAD compares: Admixed American, 0.018%; no homozygotes.

Submissions (6):

PreventionGenetics, part of Exact Sciences
Classification: Uncertain significance for CDH23-related condition. Last evaluated: 2026-06-02. Review status: criteria provided, single submitter. Criteria: ACMG Guidelines, 2015. Collection method: clinical testing. Allele origin: germline.
Comment: The CDH23 c.8887G>A variant is predicted to result in the amino acid substitution p.Glu2963Lys. This variant was reported along with a second causative variant in a patient with hearing loss (Table S2, Perry et al. 2022. PubMed ID: 36515421). This variant is reported in 0.026% of alleles in individuals of Latino descent in gnomAD. Although we suspect that this variant may be pathogenic, at this time, the clinical significance of this variant is uncertain due to the absence of conclusive functional and genetic evidence.

3billion
Classification: Uncertain significance for Usher syndrome type 1D. Last evaluated: 2025-12-16. Review status: criteria provided, single submitter. Criteria: ACMG Guidelines, 2015. Collection method: clinical testing. Allele origin: germline. Affected: yes.
Comment: The variant is observed at an extremely low frequency in the gnomAD v4.1.0 dataset (total allele frequency: 0.001%). Predicted Consequence/Location: Missense variant In silico tool predictions suggest no damaging effect of the variant on gene or gene product [REVEL: 0.24 (<0.4); 3Cnet: 0.04 (<0.1, specificity 0.84 and negative predicitive value 0.97)]. The variant has been reported as of uncertain significance (ClinVar ID: VCV002197290). Therefore, this variant is classified as VUS according to the recommendation of ACMG/AMP guideline.

GeneDx
Classification: Uncertain significance. Last evaluated: 2025-01-28. Review status: criteria provided, single submitter. Criteria: GeneDx Variant Classification Process June 2021. Collection method: clinical testing. Allele origin: germline. Affected: yes.
Comment: In silico analysis supports that this missense variant does not alter protein structure/function; This variant is associated with the following publications: (PMID: 36515421)

Blueprint Genetics
Classification: Uncertain significance. Last evaluated: 2024-05-06. Review status: criteria provided, single submitter. Criteria: ACMG Guidelines, 2015. Collection method: clinical testing. Allele origin: germline.

Labcorp Genetics (formerly Invitae), Labcorp
Classification: Uncertain significance. Last evaluated: 2022-10-24. Review status: criteria provided, single submitter. Criteria: Invitae Variant Classification Sherloc (09022015). Collection method: clinical testing. Allele origin: germline.
Comment: This sequence change replaces glutamic acid, which is acidic and polar, with lysine, which is basic and polar, at codon 2963 of the CDH23 protein (p.Glu2963Lys). This variant is present in population databases (rs774357708, gnomAD 0.02%). This variant has not been reported in the literature in individuals affected with CDH23-related conditions. Advanced modeling of protein sequence and biophysical properties (such as structural, functional, and spatial information, amino acid conservation, physicochemical variation, residue mobility, and thermodynamic stability) performed at Invitae indicates that this missense variant is not expected to disrupt CDH23 protein function. In summary, the available evidence is currently insufficient to determine the role of this variant in disease. Therefore, it has been classified as a Variant of Uncertain Significance.

Ambry Genetics
Classification: Uncertain significance for Inborn genetic diseases. Last evaluated: 2022-02-11. Review status: criteria provided, single submitter. Criteria: Ambry Variant Classification Scheme 2023. Collection method: clinical testing. Allele origin: germline.